The following is an entry in ClinVar:

ClinVar aggregate classification (germline): Uncertain significance (1 of 4 stars; one submission).

Allele frequency attached by ClinVar (database versions not stated): gnomAD 0.00001; gnomAD exomes 0.00002 and 0.00004; TOPMed 0.00002.
gnomAD v4.1: 49 of 1,508,276 alleles (0.0032%); highest among the groups gnomAD compares: Non-Finnish European, 0.0042%; no homozygotes.

Submission:

Labcorp Genetics (formerly Invitae), Labcorp
Classification: Uncertain significance. Last evaluated: 2022-06-30. Review status: criteria provided, single submitter. Criteria: Invitae Variant Classification Sherloc (09022015). Collection method: clinical testing. Allele origin: germline.
Comment: This sequence change replaces arginine, which is basic and polar, with glutamine, which is neutral and polar, at codon 107 of the ADSSL1 protein (p.Arg107Gln). This variant is present in population databases (no rsID available, gnomAD 0.004%). This variant has not been reported in the literature in individuals affected with ADSSL1-related conditions. ClinVar contains an entry for this variant (Variation ID: 1681896). Algorithms developed to predict the effect of missense changes on protein structure and function output the following: SIFT: "Not Available"; PolyPhen-2: "Benign"; Align-GVGD: "Not Available". The glutamine amino acid residue is found in multiple mammalian species, which suggests that this missense change does not adversely affect protein function. Algorithms developed to predict the effect of sequence changes on RNA splicing suggest that this variant may create or strengthen a splice site. In summary, the available evidence is currently insufficient to determine the role of this variant in disease. Therefore, it has been classified as a Variant of Uncertain Significance.

NM_152328.5(ADSS1):c.193-4808G>A

Gene: ADSS1 (adenylosuccinate synthase 1; plus strand). Cytogenetic location: 14q32.33.
Variant type: single nucleotide variant.
Coding change: c.193-4808G>A on transcript NM_152328.5 (MANE Select); 4808 bases into the intron before coding-DNA position 193, G replaced by A.
Molecular consequence: intron variant. On other transcripts: 5 prime UTR variant (1), missense variant (1).
Genome position (GRCh38, 1-based): chr14:104,730,212, G>A. VCF-style: chr14-104730212-G-A. GRCh37 (hg19) VCF-style: chr14-105196549-G-A.
Other names: c.-408G>A (NM_001320424.1); c.320G>A, p.Arg107Gln (NM_199165.2); short protein forms R107Q.
Identifiers: ClinVar variation 1681896 (VCV001681896.3), dbSNP rs887997881, ClinGen allele CA267335141.